The following is an entry in ClinVar:

NM_017617.5(NOTCH1):c.4014G>C (p.Ala1338=)

Gene: NOTCH1 (notch receptor 1; minus strand). Cytogenetic location: 9q34.3.
Variant type: single nucleotide variant.
Coding change: c.4014G>C on transcript NM_017617.5 (MANE Select); coding-DNA position 4014, G replaced by C.
Protein change: p.Ala1338=; no amino-acid change (alanine 1338 retained).
Molecular consequence: synonymous variant.
Genome position (GRCh38, 1-based): chr9:136,506,527, C>G on the plus strand (G>C on the coding strand, the complement: NOTCH1 is on the minus strand). VCF-style: chr9-136506527-C-G. GRCh37 (hg19) VCF-style: chr9-139400979-C-G.
Identifiers: ClinVar variation 1310911 (VCV001310911.5), dbSNP rs377217445, ClinGen allele CA5340732.

ClinVar aggregate classification (germline): Uncertain significance. Review status: criteria provided, multiple submitters, no conflicts (2 of 4 stars). 2 submissions from 2 submitters: Uncertain significance (2). Last evaluated 2025-12-06.

Conditions:
Adams-Oliver syndrome 5 (AOS5). Identifiers: Orphanet 974, MedGen C4014970, MONDO:0014459, OMIM 616028.

gnomAD v4.1: 5 of 1,593,012 alleles (0.00031%); highest among the groups gnomAD compares: Non-Finnish European, 0.00043%; no homozygotes.

Submissions (2):

Labcorp Genetics (formerly Invitae), Labcorp
Classification: Uncertain significance for Adams-Oliver syndrome 5. Last evaluated: 2025-12-06. Review status: criteria provided, single submitter. Criteria: Invitae Variant Classification Sherloc (09022015). Collection method: clinical testing. Allele origin: germline.
Comment: This sequence change affects codon 1338 of the NOTCH1 mRNA. It is a 'silent' change, meaning that it does not change the encoded amino acid sequence of the NOTCH1 protein. This variant also falls at the last nucleotide of exon 24, which is part of the consensus splice site for this exon. The frequency data for this variant in the population databases is considered unreliable, as metrics indicate poor data quality at this position in the gnomAD database. This variant has not been reported in the literature in individuals affected with NOTCH1-related conditions. ClinVar contains an entry for this variant (Variation ID: 1310911). Variants that disrupt the consensus splice site are a relatively common cause of aberrant splicing (PMID: 17576681, 9536098). Algorithms developed to predict the effect of sequence changes on RNA splicing suggest that this variant is not likely to affect RNA splicing. In summary, the available evidence is currently insufficient to determine the role of this variant in disease. Therefore, it has been classified as a Variant of Uncertain Significance.

GeneDx
Classification: Uncertain significance. Last evaluated: 2019-12-06. Review status: criteria provided, single submitter. Criteria: GeneDx Variant Classification Process June 2021. Collection method: clinical testing. Allele origin: germline. Affected: yes.
Comment: Has not been previously published as pathogenic or benign to our knowledge; Not observed at a significant frequency in large population cohorts (Lek et al., 2016); Occurs in the last nucleotide position of exon 24 and is considered to be part of the splice donor site of intron 24; In silico analysis, which includes splice predictors and evolutionary conservation, suggests this variant may impact gene splicing; in the absence of RNA/functional studies, the actual effect of this sequence change is unknown

Literature cited by the submitters: PubMed 17576681 (cited by Labcorp Genetics (formerly Invitae), Labcorp); PubMed 9536098 (cited by Labcorp Genetics (formerly Invitae), Labcorp).